The following is an entry in ClinVar:

NM_152564.5(VPS13B):c.9371C>G (p.Pro3124Arg)

Gene: VPS13B (vacuolar protein sorting 13 homolog B; plus strand). Cytogenetic location: 8q22.2.
Variant type: single nucleotide variant.
Coding change: c.9371C>G on transcript NM_152564.5 (MANE Select); coding-DNA position 9371, C replaced by G.
Protein change: p.Pro3124Arg; replaces proline 3124 with arginine.
Molecular consequence: missense variant.
Genome position (GRCh38, 1-based): chr8:99,832,409, C>G. VCF-style: chr8-99832409-C-G. GRCh37 (hg19) VCF-style: chr8-100844637-C-G.
Other names: c.9446C>G (NM_017890.3); c.9446C>G, p.Pro3149Arg (NM_017890.5); short protein forms P3149R, P3124R.
Identifiers: ClinVar variation 2171621 (VCV002171621.2), dbSNP rs1265992509, ClinGen allele CA371781198.

ClinVar aggregate classification (germline): Uncertain significance. Review status: criteria provided, multiple submitters, no conflicts (2 of 4 stars). 2 submissions from 2 submitters: Uncertain significance (2). Last evaluated 2025-04-24.

Conditions:
Cohen syndrome (COH1). Also called: PEPPER SYNDROME; Cutis verticis gyrata, retinitis pigmentosa, and sensorineural deafness. Identifiers: Orphanet 193, MedGen C0265223, MONDO:0008999, OMIM 216550.
Inborn genetic diseases. Identifiers: MedGen C0950123, MeSH D030342.

Allele frequency attached by ClinVar (database versions not stated): gnomAD 0.00002.
gnomAD v4.1: 8 of 1,520,824 alleles (0.00053%); highest among the groups gnomAD compares: Non-Finnish European, 0.00062%; no homozygotes.

Submissions (2):

Ambry Genetics
Classification: Uncertain significance for Inborn genetic diseases. Last evaluated: 2025-04-24. Review status: criteria provided, single submitter. Criteria: Ambry Variant Classification Scheme 2023. Collection method: clinical testing. Allele origin: germline.

Labcorp Genetics (formerly Invitae), Labcorp
Classification: Uncertain significance for Cohen syndrome. Last evaluated: 2022-09-07. Review status: criteria provided, single submitter. Criteria: Invitae Variant Classification Sherloc (09022015). Collection method: clinical testing. Allele origin: germline.
Comment: This sequence change replaces proline with arginine at codon 3149 of the VPS13B protein (p.Pro3149Arg). The proline residue is moderately conserved and there is a moderate physicochemical difference between proline and arginine. This variant is not present in population databases (gnomAD no frequency). This variant has not been reported in the literature in individuals affected with VPS13B-related conditions. Algorithms developed to predict the effect of missense changes on protein structure and function are either unavailable or do not agree on the potential impact of this missense change (SIFT: "Not Available"; PolyPhen-2: "Benign"; Align-GVGD: "Not Available"). In summary, the available evidence is currently insufficient to determine the role of this variant in disease. Therefore, it has been classified as a Variant of Uncertain Significance.